The following is an entry in ClinVar:

ClinVar aggregate classification (germline): Conflicting classifications of pathogenicity. Review status: criteria provided, conflicting classifications (1 of 4 stars). 4 submissions from 4 submitters: Uncertain significance (2); Likely benign (2). Last evaluated 2026-02-02.

Conditions:
Ehlers-Danlos syndrome, classic type, 2 (EDSCL2). Also called: Ehlers-Danlos Syndrome, Classic Type, COL5A2-Related; Ehlers-Danlos syndrome, type 2; Ehlers-Danlos syndrome type 2 (formerly). Identifiers: Orphanet 287, Orphanet 90318, MedGen C0268336, MONDO:0019568, OMIM 130010.
Ehlers-Danlos syndrome, classic type, 1 (EDSCL1). Also called: EDS I; EHLERS-DANLOS SYNDROME, GRAVIS TYPE; EHLERS-DANLOS SYNDROME, SEVERE CLASSIC TYPE; Ehlers-Danlos Syndrome, Classic Type, COL5A1-Related; Ehlers-Danlos syndrome, type 1. Identifiers: MedGen C0268335, MONDO:0019567, OMIM 130000.

Allele frequency attached by ClinVar (database versions not stated): gnomAD exomes 0.00001; TOPMed 0.00002.
gnomAD v4.1: 15 of 1,613,312 alleles (0.00093%); highest among the groups gnomAD compares: Non-Finnish European, 0.0013%; no homozygotes.

Submissions (4):

Women's Health and Genetics/Laboratory Corporation of America, LabCorp
Classification: Likely benign. Last evaluated: 2026-02-02. Review status: criteria provided, single submitter. Criteria: LabCorp Variant Classification Summary - May 2015. Collection method: clinical testing. Allele origin: germline.
Comment: Variant summary: COL5A2 c.3638C>T (p.Pro1213Leu) results in a non-conservative amino acid change in the encoded protein sequence. Algorithms developed to predict the effect of missense changes on protein structure and function all suggest that this variant is likely to be disruptive. The variant allele was found at a frequency of 9.3e-06 in 1613312 control chromosomes. The observed variant frequency exceeds the estimated maximal expected allele frequency for disease-causing variants in COL5A2. c.3638C>T has been observed in an individual affected with aortic aneurysms (Salmasi_2022). This report does not provide unequivocal conclusions about association of the variant with Ehlers-Danlos Syndrome. To our knowledge, no experimental evidence demonstrating an impact on protein function has been reported. The following publication has been ascertained in the context of this evaluation (PMID: 35830949). ClinVar contains an entry for this variant (Variation ID: 643019). Based on the evidence outlined above, the variant was classified as likely benign.

Labcorp Genetics (formerly Invitae), Labcorp
Classification: Likely benign for Ehlers-Danlos syndrome, classic type, 1. Last evaluated: 2024-04-09. Review status: criteria provided, single submitter. Criteria: Invitae Variant Classification Sherloc (09022015). Collection method: clinical testing. Allele origin: germline.

GeneDx
Classification: Uncertain significance. Last evaluated: 2023-03-27. Review status: criteria provided, single submitter. Criteria: GeneDx Variant Classification Process June 2021. Collection method: clinical testing. Allele origin: germline. Affected: yes.
Comment: Not observed at significant frequency in large population cohorts (gnomAD); In silico analysis supports that this missense variant has a deleterious effect on protein structure/function; Has not been previously published as pathogenic or benign to our knowledge

ARUP Laboratories, Molecular Genetics and Genomics, ARUP Laboratories
Classification: Uncertain significance for Ehlers-Danlos syndrome, classic type, 2. Last evaluated: 2018-07-25. Review status: criteria provided, single submitter. Criteria: ARUP Molecular Germline Variant Investigation Process. Collection method: clinical testing. Allele origin: germline.
Comment: The COL5A2 c.3638C>T; p.Pro1213Leu variant (rs1056466895), to our knowledge, has not been described in the medical literature or in gene-specific databases, and is only observed on 2 alleles in the Genome Aggregation Database. The proline at codon 1213 is highly conserved, but computational algorithms (PolyPhen-2: probably damaging, SIFT: tolerated) predict conflicting effects of this variant on protein structure/function. Due to lack of clinical and functional information regarding this variant, its clinical significance cannot be determined with certainty.

Literature cited by the submitters: PubMed 35830949 (cited by Women's Health and Genetics/Laboratory Corporation of America, LabCorp).

NM_000393.5(COL5A2):c.3638C>T (p.Pro1213Leu)

Gene: COL5A2 (collagen type V alpha 2 chain; minus strand). Cytogenetic location: 2q32.2.
Variant type: single nucleotide variant.
Coding change: c.3638C>T on transcript NM_000393.5 (MANE Select); coding-DNA position 3638, C replaced by T.
Protein change: p.Pro1213Leu; replaces proline 1213 with leucine.
Molecular consequence: missense variant.
Genome position (GRCh38, 1-based): chr2:189,039,559, G>A on the plus strand (C>T on the coding strand, the complement: COL5A2 is on the minus strand). VCF-style: chr2-189039559-G-A. GRCh37 (hg19) VCF-style: chr2-189904285-G-A.
Other names: short protein forms P1213L.
Identifiers: ClinVar variation 643019 (VCV000643019.16), dbSNP rs1056466895, ClinGen allele CA62585388.